The following is an entry in ClinVar:

NM_018082.6(POLR3B):c.2963A>G (p.Tyr988Cys)

Genes: POLR3B (RNA polymerase III subunit B; plus strand), RFX4-AS1 (RFX4 antisense RNA 1; minus strand). Cytogenetic location: 12q23.3.
Variant type: single nucleotide variant.
Coding change: c.2963A>G on transcript NM_018082.6 (MANE Select); coding-DNA position 2963, A replaced by G.
Protein change: p.Tyr988Cys; replaces tyrosine 988 with cysteine.
Molecular consequence: missense variant.
Genome position (GRCh38, 1-based): chr12:106,496,897, A>G. VCF-style: chr12-106496897-A-G. GRCh37 (hg19) VCF-style: chr12-106890675-A-G.
Other names: c.2963A>G (NM_018082.5); c.2789A>G, p.Tyr930Cys (NM_001160708.2); short protein forms Y930C, Y988C.
Identifiers: ClinVar variation 2889028 (VCV002889028.4), dbSNP rs149257714, ClinGen allele CA6762346.
Genomic context (GRCh38, chr12:106,496,897, plus strand): 5'-AAGTGAAGGATGTGTGTGAGGACCTCGTTCGCCATGGTTATAACTACTTGGGGAAAGACT[A>G]TGTTACATCCGGCATCACAGGGTAAGCATGCGATTGAGCTATTTTAAAGAAAAAGAATGG-3'
Protein context (NP_060552.4, residues 978-998): RHGYNYLGKD[Tyr988Cys]VTSGITGEPL

ClinVar aggregate classification (germline): Uncertain significance. Review status: criteria provided, multiple submitters, no conflicts (2 of 4 stars). 2 submissions from 2 submitters: Uncertain significance (2). Last evaluated 2024-09-30.

Allele frequency attached by ClinVar (database versions not stated): ExAC 0.00001; gnomAD exomes 0.00001; TOPMed 0.00003; gnomAD 0.00004; ESP Exome Variant Server 0.00015; 1000 Genomes Project 30x 0.00016; 1000 Genomes Project 0.00020.
gnomAD v4.1: 22 of 1,614,024 alleles (0.0014%); highest among the groups gnomAD compares: African/African-American, 0.015%; no homozygotes.

Submissions (2):

Labcorp Genetics (formerly Invitae), Labcorp
Classification: Uncertain significance. Last evaluated: 2024-09-30. Review status: criteria provided, single submitter. Criteria: Invitae Variant Classification Sherloc (09022015). Collection method: clinical testing. Allele origin: germline.
Comment: This sequence change replaces tyrosine, which is neutral and polar, with cysteine, which is neutral and slightly polar, at codon 988 of the POLR3B protein (p.Tyr988Cys). This variant is present in population databases (rs149257714, gnomAD 0.01%). This variant has not been reported in the literature in individuals affected with POLR3B-related conditions. Invitae Evidence Modeling of protein sequence and biophysical properties (such as structural, functional, and spatial information, amino acid conservation, physicochemical variation, residue mobility, and thermodynamic stability) indicates that this missense variant is not expected to disrupt POLR3B protein function with a negative predictive value of 80%. In summary, the available evidence is currently insufficient to determine the role of this variant in disease. Therefore, it has been classified as a Variant of Uncertain Significance.

GeneDx
Classification: Uncertain significance. Last evaluated: 2024-08-07. Review status: criteria provided, single submitter. Criteria: GeneDx Variant Classification Process June 2021. Collection method: clinical testing. Allele origin: germline. Affected: yes.
Comment: In silico analysis indicates that this missense variant does not alter protein structure/function; Has not been previously published as pathogenic or benign to our knowledge